The following is an entry in ClinVar:

NM_006514.4(SCN10A):c.3170T>G (p.Leu1057Arg)

Genes: SCN10A (sodium voltage-gated channel alpha subunit 10; minus strand), LOC110121288 (VISTA enhancer hs2268; plus strand). Cytogenetic location: 3p22.2.
Variant type: single nucleotide variant.
Coding change: c.3170T>G on transcript NM_006514.4 (MANE Select); coding-DNA position 3170, T replaced by G.
Protein change: p.Leu1057Arg; replaces leucine 1057 with arginine.
Molecular consequence: missense variant.
Genome position (GRCh38, 1-based): chr3:38,725,232, A>C on the plus strand (T>G on the coding strand, the complement: SCN10A is on the minus strand). VCF-style: chr3-38725232-A-C. GRCh37 (hg19) VCF-style: chr3-38766723-A-C.
Other names: c.3167T>G, p.Leu1056Arg (NM_001293306.2); c.2876T>G, p.Leu959Arg (NM_001293307.2); short protein forms L1057R, L1056R, L959R.
Identifiers: ClinVar variation 573935 (VCV000573935.5), dbSNP rs1559424975, ClinGen allele CA352156689.

ClinVar aggregate classification (germline): Uncertain significance (1 of 4 stars; one submission).

Conditions:
Brugada syndrome. Also called: Sudden unexplained nocturnal death syndrome; Sudden unexpected nocturnal death syndrome; Sudden Unexplained Death Syndrome; Sudden Unexplained Nocturnal Death Syndrome (SUNDS). Identifiers: Orphanet 130, MedGen C1142166, MONDO:0015263.

Submission:

Labcorp Genetics (formerly Invitae), Labcorp
Classification: Uncertain significance for Brugada syndrome. Last evaluated: 2022-03-09. Review status: criteria provided, single submitter. Criteria: Invitae Variant Classification Sherloc (09022015). Collection method: clinical testing. Allele origin: germline.
Comment: In summary, the available evidence is currently insufficient to determine the role of this variant in disease. Therefore, it has been classified as a Variant of Uncertain Significance. Advanced modeling of protein sequence and biophysical properties (such as structural, functional, and spatial information, amino acid conservation, physicochemical variation, residue mobility, and thermodynamic stability) performed at Invitae indicates that this missense variant is not expected to disrupt SCN10A protein function. ClinVar contains an entry for this variant (Variation ID: 573935). This variant has not been reported in the literature in individuals affected with SCN10A-related conditions. This variant is not present in population databases (gnomAD no frequency). This sequence change replaces leucine, which is neutral and non-polar, with arginine, which is basic and polar, at codon 1057 of the SCN10A protein (p.Leu1057Arg).